The following is an entry in ClinVar:

NM_006389.5(HYOU1):c.1073G>A (p.Arg358Gln)

Gene: HYOU1 (hypoxia up-regulated 1; minus strand). Cytogenetic location: 11q23.3.
Variant type: single nucleotide variant.
Coding change: c.1073G>A on transcript NM_006389.5 (MANE Select); coding-DNA position 1073, G replaced by A.
Protein change: p.Arg358Gln; replaces arginine 358 with glutamine.
Molecular consequence: missense variant.
Genome position (GRCh38, 1-based): chr11:119,052,344, C>T on the plus strand (G>A on the coding strand, the complement: HYOU1 is on the minus strand). VCF-style: chr11-119052344-C-T. GRCh37 (hg19) VCF-style: chr11-118923056-C-T.
Other names: c.1073G>A, p.Arg358Gln (NM_001130991.3); short protein forms R358Q.
Identifiers: ClinVar variation 1370838 (VCV001370838.8), dbSNP rs782147995, ClinGen allele CA229623120.

ClinVar aggregate classification (germline): Uncertain significance (1 of 4 stars; one submission).

Allele frequency attached by ClinVar (database versions not stated): gnomAD exomes below 0.00001; gnomAD 0.00001; TOPMed 0.00001.
gnomAD v4.1: 7 of 1,614,098 alleles (0.00043%); highest among the groups gnomAD compares: Admixed American, 0.0033%; no homozygotes.

Submission:

Labcorp Genetics (formerly Invitae), Labcorp
Classification: Uncertain significance. Last evaluated: 2025-11-24. Review status: criteria provided, single submitter. Criteria: Invitae Variant Classification Sherloc (09022015). Collection method: clinical testing. Allele origin: germline.
Comment: This sequence change replaces arginine, which is basic and polar, with glutamine, which is neutral and polar, at codon 358 of the HYOU1 protein (p.Arg358Gln). This variant is present in population databases (rs782147995, gnomAD 0.006%). This variant has not been reported in the literature in individuals affected with HYOU1-related conditions. ClinVar contains an entry for this variant (Variation ID: 1370838). Experimental studies and prediction algorithms are not available or were not evaluated, and the functional significance of this variant is currently unknown. In summary, the available evidence is currently insufficient to determine the role of this variant in disease. Therefore, it has been classified as a Variant of Uncertain Significance.